The following is an entry in ClinVar:

NM_001002295.2(GATA3):c.515C>A (p.Ser172Ter)

Gene: GATA3 (GATA binding protein 3; plus strand). Cytogenetic location: 10p14.
Variant type: single nucleotide variant.
Coding change: c.515C>A on transcript NM_001002295.2 (MANE Select); coding-DNA position 515, C replaced by A.
Protein change: p.Ser172Ter; replaces serine 172 with a stop codon.
Molecular consequence: nonsense.
Genome position (GRCh38, 1-based): chr10:8,058,578, C>A. VCF-style: chr10-8058578-C-A. GRCh37 (hg19) VCF-style: chr10-8100541-C-A.
Other names: c.515C>A, p.Ser172Ter (NM_002051.3); short protein forms S172*.
Identifiers: ClinVar variation 3720922 (VCV003720922.2).

ClinVar aggregate classification (germline): Pathogenic (1 of 4 stars; one submission).

Submission:

Labcorp Genetics (formerly Invitae), Labcorp
Classification: Pathogenic. Last evaluated: 2025-09-26. Review status: criteria provided, single submitter. Criteria: Invitae Variant Classification Sherloc (09022015). Collection method: clinical testing. Allele origin: germline.
Comment: This sequence change creates a premature translational stop signal (p.Ser172*) in the GATA3 gene. It is expected to result in an absent or disrupted protein product. Loss-of-function variants in GATA3 are known to be pathogenic (PMID: 14985365, 21242646). This variant is not present in population databases (gnomAD no frequency). This premature translational stop signal has been observed in individual(s) with hypoparathyroidism, deafness and renal dysplasia syndrome (PMID: 25124981). ClinVar contains an entry for this variant (Variation ID: 3720922). For these reasons, this variant has been classified as Pathogenic.

Literature cited by the submitters: PubMed 14985365; PubMed 21242646; PubMed 25124981.